The following is an entry in ClinVar:

ClinVar aggregate classification (germline): Likely pathogenic. Review status: criteria provided, single submitter (1 of 4 stars). 3 submissions from 3 submitters: Likely pathogenic (1). 2 of the submissions do not count toward it. Last evaluated 2022-09-13.

Conditions:
Nicolaides-Baraitser syndrome (NCBRS). Also called: SMARCA2-Related Nicolaides-Baraitser Syndrome; Intellectual disability-sparse hair-brachydactyly syndrome. Identifiers: Orphanet 3051, MedGen C1303073, MONDO:0011053, OMIM 601358.

Submissions (3):

GeneDx
Classification: Likely pathogenic. Last evaluated: 2022-09-13. Review status: criteria provided, single submitter. Criteria: GeneDx Variant Classification Process June 2021. Collection method: clinical testing. Allele origin: germline. Affected: yes.
Comment: Not observed at significant frequency in large population cohorts (gnomAD); In silico analysis supports that this missense variant has a deleterious effect on protein structure/function; This variant is associated with the following publications: (PMID: 29937994, 31506931, 29760388, 26659599, 35811451, 26147798, 24090879, 22366787)

OMIM
Classification: Pathogenic for NICOLAIDES-BARAITSER SYNDROME. Last evaluated: 2012-02-26. Review status: no assertion criteria provided. Collection method: literature only. Allele origin: germline. Not counted in ClinVar's aggregate classification.

UniProtKB/Swiss-Prot
No classification provided. Review status: no classification provided. Collection method: not provided. Allele origin: not provided. Not counted in ClinVar's aggregate classification.

Literature cited by the submitters: PubMed 22366787 (cited by OMIM).

NM_003070.5(SMARCA2):c.3637C>T (p.Arg1213Trp)

Gene: SMARCA2 (SWI/SNF related BAF chromatin remodeling complex subunit ATPase 2; plus strand). Cytogenetic location: 9p24.3.
Variant type: single nucleotide variant.
Coding change: c.3637C>T on transcript NM_003070.5 (MANE Select); coding-DNA position 3637, C replaced by T.
Protein change: p.Arg1213Trp; replaces arginine 1213 with tryptophan.
Molecular consequence: missense variant.
Genome position (GRCh38, 1-based): chr9:2,116,002, C>T. VCF-style: chr9-2116002-C-T. GRCh37 (hg19) VCF-style: chr9-2116002-C-T.
Other names: c.3637C>T, p.Arg1213Trp (NM_001289396.2, NM_139045.4); c.3463C>T, p.Arg1155Trp (NM_001289397.2); short protein forms R1213W, R1155W.
Identifiers: ClinVar variation 30008 (VCV000030008.3), dbSNP rs281875238, ClinGen allele CA211259.